The following is an entry in ClinVar:

NM_000256.3(MYBPC3):c.2605C>G (p.Pro869Ala)

Gene: MYBPC3 (myosin binding protein C3; minus strand). Cytogenetic location: 11p11.2.
Variant type: single nucleotide variant.
Coding change: c.2605C>G on transcript NM_000256.3 (MANE Select); coding-DNA position 2605, C replaced by G.
Protein change: p.Pro869Ala; replaces proline 869 with alanine.
Molecular consequence: missense variant.
Genome position (GRCh38, 1-based): chr11:47,336,009, G>C on the plus strand (C>G on the coding strand, the complement: MYBPC3 is on the minus strand). VCF-style: chr11-47336009-G-C. GRCh37 (hg19) VCF-style: chr11-47357560-G-C.
Other names: short protein forms P869A.
Identifiers: ClinVar variation 2829783 (VCV002829783.3), dbSNP rs1219654172, ClinGen allele CA380317464.

ClinVar aggregate classification (germline): Uncertain significance (1 of 4 stars; one submission).

Conditions:
Hypertrophic cardiomyopathy. Also called: HYPERTROPHIC MYOCARDIOPATHY. Identifiers: Orphanet 217569, MedGen C0007194, MeSH D002312, MONDO:0005045, HP:0001639.

Submission:

Labcorp Genetics (formerly Invitae), Labcorp
Classification: Uncertain significance for Hypertrophic cardiomyopathy. Last evaluated: 2023-01-18. Review status: criteria provided, single submitter. Criteria: Invitae Variant Classification Sherloc (09022015). Collection method: clinical testing. Allele origin: germline.
Comment: This variant has not been reported in the literature in individuals affected with MYBPC3-related conditions. In summary, the available evidence is currently insufficient to determine the role of this variant in disease. Therefore, it has been classified as a Variant of Uncertain Significance. Algorithms developed to predict the effect of missense changes on protein structure and function (SIFT, PolyPhen-2, Align-GVGD) all suggest that this variant is likely to be disruptive. This variant is not present in population databases (gnomAD no frequency). This sequence change replaces proline, which is neutral and non-polar, with alanine, which is neutral and non-polar, at codon 869 of the MYBPC3 protein (p.Pro869Ala).